The following is an entry in ClinVar:

NM_001378452.1(ITPR1):c.7003C>T (p.Leu2335Phe)

Gene: ITPR1 (inositol 1,4,5-trisphosphate receptor type 1; plus strand). Cytogenetic location: 3p26.1.
Variant type: single nucleotide variant.
Coding change: c.7003C>T on transcript NM_001378452.1 (MANE Select); coding-DNA position 7003, C replaced by T.
Protein change: p.Leu2335Phe; replaces leucine 2335 with phenylalanine.
Molecular consequence: missense variant.
Genome position (GRCh38, 1-based): chr3:4,800,496, C>T. VCF-style: chr3-4800496-C-T. GRCh37 (hg19) VCF-style: chr3-4842180-C-T.
Other names: c.6814C>T (NM_002222.6); c.6859C>T, p.Leu2287Phe (NM_001099952.4); c.6958C>T, p.Leu2320Phe (NM_001168272.2); c.6814C>T, p.Leu2272Phe (NM_002222.7); short protein forms L2272F, L2287F, L2320F, L2335F.
Identifiers: ClinVar variation 1800586 (VCV001800586.3), dbSNP rs2125423322, ClinGen allele CA351643678.

ClinVar aggregate classification (germline): Uncertain significance. Review status: criteria provided, multiple submitters, no conflicts (2 of 4 stars). 2 submissions from 2 submitters: Uncertain significance (2). Last evaluated 2023-04-20.

Allele frequency attached by ClinVar (database versions not stated): gnomAD exomes below 0.00001.
gnomAD v4.1: 1 of 1,613,996 alleles (0.000062%); highest among the groups gnomAD compares: South Asian, 0.0011%; no homozygotes.

Submissions (2):

Revvity Omics, Revvity
Classification: Uncertain significance. Last evaluated: 2023-04-20. Review status: criteria provided, single submitter. Criteria: ACMG Guidelines, 2015. Collection method: clinical testing. Allele origin: germline.

GeneDx
Classification: Uncertain significance. Last evaluated: 2022-05-17. Review status: criteria provided, single submitter. Criteria: GeneDx Variant Classification Process June 2021. Collection method: clinical testing. Allele origin: germline. Affected: yes.
Comment: Not observed at significant frequency in large population cohorts (gnomAD); In silico analysis supports that this missense variant has a deleterious effect on protein structure/function; Has not been previously published as pathogenic or benign to our knowledge